The following is an entry in ClinVar:

NM_001161403.3(LIMS2):c.713A>C (p.Glu238Ala)

Gene: LIMS2 (LIM zinc finger domain containing 2; minus strand). Cytogenetic location: 2q14.3.
Variant type: single nucleotide variant.
Coding change: c.713A>C on transcript NM_001161403.3 (MANE Select); coding-DNA position 713, A replaced by C.
Protein change: p.Glu238Ala; replaces glutamic acid 238 with alanine.
Molecular consequence: missense variant.
Genome position (GRCh38, 1-based): chr2:127,640,936, T>G on the plus strand (A>C on the coding strand, the complement: LIMS2 is on the minus strand). VCF-style: chr2-127640936-T-G. GRCh37 (hg19) VCF-style: chr2-128398511-T-G.
Other names: c.779A>C, p.Glu260Ala (NM_001136037.4); c.698A>C, p.Glu233Ala (NM_001161404.2); c.257A>C, p.Glu86Ala (NM_001161405.1, NM_001256542.2); c.785A>C, p.Glu262Ala (NM_017980.5); short protein forms E260A, E86A, E233A, E238A, E262A.
Identifiers: ClinVar variation 2830027 (VCV002830027.3), dbSNP rs1682344033, ClinGen allele CA348424473.
Genomic context (GRCh38, chr2:127,640,936, plus strand): 5'-AGGTTCTGCACCGGGCTCACCTGGTTGTAGTGAGTCTCGCAGTAGGCCAGGCCCTTCTTC[T>G]CATAGTGCCGGTGCCCCAGGAATGGCTTCTCACACTTGGCACAGACAAAGTGCTGCAAGG-3'
Protein context (NP_001154875.1, residues 228-248): EKPFLGHRHY[Glu238Ala]KKGLAYCETH

ClinVar aggregate classification (germline): Uncertain significance (1 of 4 stars; one submission).

Conditions:
Autosomal recessive limb-girdle muscular dystrophy type 2W (MDRCMTT). Also called: Muscular dystrophy, limb-girdle, type 2W; Muscular dystrophy, autosomal recessive, with cardiomyopathy and triangular tongue. Identifiers: MedGen C4225192, MONDO:0014788, OMIM 616827.

Submission:

Labcorp Genetics (formerly Invitae), Labcorp
Classification: Uncertain significance for Autosomal recessive limb-girdle muscular dystrophy type 2W. Last evaluated: 2023-01-19. Review status: criteria provided, single submitter. Criteria: Invitae Variant Classification Sherloc (09022015). Collection method: clinical testing. Allele origin: germline.
Comment: Advanced modeling of protein sequence and biophysical properties (such as structural, functional, and spatial information, amino acid conservation, physicochemical variation, residue mobility, and thermodynamic stability) performed at Invitae indicates that this missense variant is expected to disrupt LIMS2 protein function. This variant has not been reported in the literature in individuals affected with LIMS2-related conditions. This variant is not present in population databases (gnomAD no frequency). This sequence change replaces glutamic acid, which is acidic and polar, with alanine, which is neutral and non-polar, at codon 260 of the LIMS2 protein (p.Glu260Ala). In summary, the available evidence is currently insufficient to determine the role of this variant in disease. Therefore, it has been classified as a Variant of Uncertain Significance.